The following is an entry in ClinVar:

NM_012186.3(FOXE3):c.813G>A (p.Leu271=)

Genes: FOXE3 (forkhead box E3; plus strand), LINC01389 (long independently transcribed non-coding RNA 1389; minus strand). Cytogenetic location: 1p33.
Variant type: single nucleotide variant.
Coding change: c.813G>A on transcript NM_012186.3 (MANE Select); coding-DNA position 813, G replaced by A.
Protein change: p.Leu271=; no amino-acid change (leucine 271 retained).
Molecular consequence: synonymous variant.
Genome position (GRCh38, 1-based): chr1:47,417,128, G>A. VCF-style: chr1-47417128-G-A. GRCh37 (hg19) VCF-style: chr1-47882800-G-A.
Identifiers: ClinVar variation 1157483 (VCV001157483.13), dbSNP rs1003802007, ClinGen allele CA22069301.

ClinVar aggregate classification (germline): Likely benign. Review status: criteria provided, multiple submitters, no conflicts (2 of 4 stars). 3 submissions from 3 submitters: Likely benign (2). 1 of the submissions does not count toward it. Last evaluated 2026-01-20.

Conditions:
FOXE3-related disorder. Also called: FOXE3-related condition.
Anterior segment dysgenesis. Also called: Ocular anterior segment dysgenesis. Identifiers: Orphanet 88632, MedGen C1862839, MONDO:0019503, HP:0007700.
Congenital primary aphakia. Also called: Anterior segment dysgenesis 2, multiple subtypes; ANTERIOR SEGMENT DYSGENESIS 2. Identifiers: Orphanet 83461, MedGen C1853230, MONDO:0012456, OMIM 610256.
Cardiovascular phenotype. Identifiers: MedGen CN230736.

Allele frequency attached by ClinVar (database versions not stated): gnomAD 0.00006; gnomAD exomes 0.00003; TOPMed 0.00004.
gnomAD v4.1: 77 of 1,405,496 alleles (0.0055%); highest among the groups gnomAD compares: Middle Eastern, 0.051%; no homozygotes.

Submissions (3):

Labcorp Genetics (formerly Invitae), Labcorp
Classification: Likely benign for Anterior segment dysgenesis; Congenital primary aphakia. Last evaluated: 2026-01-20. Review status: criteria provided, single submitter. Criteria: Invitae Variant Classification Sherloc (09022015). Collection method: clinical testing. Allele origin: germline.

Ambry Genetics
Classification: Likely benign for Cardiovascular phenotype. Last evaluated: 2019-06-04. Review status: criteria provided, single submitter. Criteria: Ambry Variant Classification Scheme 2023. Collection method: clinical testing. Allele origin: germline.

PreventionGenetics, part of Exact Sciences
Classification: Likely benign for FOXE3-related condition. Last evaluated: 2019-03-18. Review status: no assertion criteria provided. Collection method: clinical testing. Allele origin: germline. Not counted in ClinVar's aggregate classification.
Comment: This variant is classified as likely benign based on ACMG/AMP sequence variant interpretation guidelines (Richards et al. 2015 PMID: 25741868, with internal and published modifications).